The following is an entry in ClinVar:

NM_000135.4(FANCA):c.3765G>C (p.Glu1255Asp)

Gene: FANCA (FA complementation group A; minus strand). Cytogenetic location: 16q24.3.
Variant type: single nucleotide variant.
Coding change: c.3765G>C on transcript NM_000135.4 (MANE Select); coding-DNA position 3765, G replaced by C.
Protein change: p.Glu1255Asp; replaces glutamic acid 1255 with aspartic acid.
Molecular consequence: missense variant.
Genome position (GRCh38, 1-based): chr16:89,742,800, C>G on the plus strand (G>C on the coding strand, the complement: FANCA is on the minus strand). VCF-style: chr16-89742800-C-G. GRCh37 (hg19) VCF-style: chr16-89809208-C-G.
Other names: c.3765G>C, p.Glu1255Asp (NM_001286167.3); short protein forms E1255D.
Identifiers: ClinVar variation 3708163 (VCV003708163.2).

ClinVar aggregate classification (germline): Uncertain significance (1 of 4 stars; one submission).

Conditions:
Fanconi anemia (FA). Also called: Fanconi's anemia. Identifiers: Orphanet 84, MedGen C0015625, MeSH D005199, MONDO:0019391.

gnomAD v4.1: 3 of 1,613,884 alleles (0.00019%); highest among the groups gnomAD compares: Non-Finnish European, 0.00025%; no homozygotes.

Submission:

Labcorp Genetics (formerly Invitae), Labcorp
Classification: Uncertain significance for Fanconi anemia. Last evaluated: 2024-08-11. Review status: criteria provided, single submitter. Criteria: Invitae Variant Classification Sherloc (09022015). Collection method: clinical testing. Allele origin: germline.
Comment: This sequence change replaces glutamic acid, which is acidic and polar, with aspartic acid, which is acidic and polar, at codon 1255 of the FANCA protein (p.Glu1255Asp). This variant also falls at the last nucleotide of exon 37, which is part of the consensus splice site for this exon. This variant is present in population databases (no rsID available, gnomAD 0.007%). This variant has not been reported in the literature in individuals affected with FANCA-related conditions. An algorithm developed to predict the effect of missense changes on protein structure and function (PolyPhen-2) suggests that this variant is likely to be disruptive. Variants that disrupt the consensus splice site are a relatively common cause of aberrant splicing (PMID: 17576681, 9536098). Algorithms developed to predict the effect of sequence changes on RNA splicing suggest that this variant may disrupt the consensus splice site. In summary, the available evidence is currently insufficient to determine the role of this variant in disease. Therefore, it has been classified as a Variant of Uncertain Significance.

Literature cited by the submitters: PubMed 17576681; PubMed 9536098.